The following is an entry in ClinVar:

ClinVar aggregate classification (germline): Uncertain significance (1 of 4 stars; one submission).

Submission:

Ambry Genetics
Classification: Uncertain significance. Last evaluated: 2025-11-08. Review status: criteria provided, single submitter. Criteria: Ambry Variant Classification Scheme 2023. Collection method: clinical testing. Allele origin: germline.
Comment: The p.Q967E variant (also known as c.2899C>G), located in coding exon 1 of the TET2 gene, results from a C to G substitution at nucleotide position 2899. The glutamine at codon 967 is replaced by glutamic acid, an amino acid with highly similar properties. This amino acid position is conserved. In addition, this alteration is predicted to be tolerated by in silico analysis. Based on the available evidence, the clinical significance of this variant remains unclear.

NM_001127208.3(TET2):c.2899C>G (p.Gln967Glu)

Genes: TET2 (tet methylcytosine dioxygenase 2; plus strand), TET2-AS1 (TET2 antisense RNA 1; minus strand). Cytogenetic location: 4q24.
Variant type: single nucleotide variant.
Coding change: c.2899C>G on transcript NM_001127208.3 (MANE Select); coding-DNA position 2899, C replaced by G.
Protein change: p.Gln967Glu; replaces glutamine 967 with glutamic acid.
Molecular consequence: missense variant.
Genome position (GRCh38, 1-based): chr4:105,236,841, C>G. VCF-style: chr4-105236841-C-G. GRCh37 (hg19) VCF-style: chr4-106157998-C-G.
Other names: c.2899C>G, p.Gln967Glu (NM_017628.4); short protein forms Q967E.
Identifiers: ClinVar variation 4594192 (VCV004594192.1).
Genomic context (GRCh38, chr4:105,236,841, plus strand): 5'-CAAAAGCATGCTGCTCTAAGGTGGCATCTCTTACAGAAGCAAGAACAGCAGCAAACACAG[C>G]AACCCCAAACTGAGTCTTGCCATAGTCAGATGCACAGGCCAATTAAGGTGGAACCTGGAT-3'
Protein context (NP_001120680.1, residues 957-977): LQKQEQQQTQ[Gln967Glu]PQTESCHSQM